The following is an entry in ClinVar:

NM_015164.4(PLEKHM2):c.1126G>A (p.Gly376Arg)

Gene: PLEKHM2 (pleckstrin homology and RUN domain containing M2; plus strand). Cytogenetic location: 1p36.21.
Variant type: single nucleotide variant.
Coding change: c.1126G>A on transcript NM_015164.4 (MANE Select); coding-DNA position 1126, G replaced by A.
Protein change: p.Gly376Arg; replaces glycine 376 with arginine.
Molecular consequence: missense variant.
Genome position (GRCh38, 1-based): chr1:15,727,198, G>A. VCF-style: chr1-15727198-G-A. GRCh37 (hg19) VCF-style: chr1-16053693-G-A.
Other names: c.1066G>A, p.Gly356Arg (NM_001410755.1); short protein forms G356R, G376R.
Identifiers: ClinVar variation 3611442 (VCV003611442.2).
Genomic context (GRCh38, chr1:15,727,198, plus strand): 5'-GGCAGCCCAAGCCTTGGGCGGGACTCGCCAGACACTATGCTTGCCTCCCCCCAGGAGGAG[G>A]GAGAGGGGCCGAGCAGCACCACGGAGAGCAGCGAGCGCTCCGAGCCGGGCCTGCTGATCC-3'
Protein context (NP_055979.2, residues 366-386): DTMLASPQEE[Gly376Arg]EGPSSTTESS

ClinVar aggregate classification (germline): Uncertain significance (1 of 4 stars; one submission).

gnomAD v4.1: 102 of 1,606,760 alleles (0.0063%); highest among the groups gnomAD compares: Non-Finnish European, 0.0083%; no homozygotes.

Submission:

Labcorp Genetics (formerly Invitae), Labcorp
Classification: Uncertain significance. Last evaluated: 2024-09-18. Review status: criteria provided, single submitter. Criteria: Invitae Variant Classification Sherloc (09022015). Collection method: clinical testing. Allele origin: germline.
Comment: This sequence change replaces glycine, which is neutral and non-polar, with arginine, which is basic and polar, at codon 376 of the PLEKHM2 protein (p.Gly376Arg). This variant is present in population databases (rs746183903, gnomAD 0.004%). This variant has not been reported in the literature in individuals affected with PLEKHM2-related conditions. An algorithm developed to predict the effect of missense changes on protein structure and function (PolyPhen-2) suggests that this variant is likely to be tolerated. In summary, the available evidence is currently insufficient to determine the role of this variant in disease. Therefore, it has been classified as a Variant of Uncertain Significance.